The following is an entry in ClinVar:

ClinVar aggregate classification (germline): Pathogenic. Review status: criteria provided, multiple submitters, no conflicts (2 of 4 stars). 3 submissions from 3 submitters: Pathogenic (2). 1 of the submissions does not count toward it. Last evaluated 2025-11-18.

Conditions:
Congenital factor VII deficiency. Identifiers: Orphanet 327, MedGen C0272320, MONDO:0009211, OMIM 227500.
F7-related disorder. Also called: F7-related condition.

Allele frequency attached by ClinVar (database versions not stated): gnomAD exomes 0.00001; ExAC 0.00002; gnomAD 0.00002; TOPMed 0.00003.
gnomAD v4.1: 19 of 1,613,724 alleles (0.0012%); highest among the groups gnomAD compares: South Asian, 0.0044%; no homozygotes.

Submissions (3):

Labcorp Genetics (formerly Invitae), Labcorp
Classification: Pathogenic. Last evaluated: 2025-11-18. Review status: criteria provided, single submitter. Criteria: Invitae Variant Classification Sherloc (09022015). Collection method: clinical testing. Allele origin: germline.
Comment: This sequence change creates a premature translational stop signal (p.Arg212*) in the F7 gene. It is expected to result in an absent or disrupted protein product. Loss-of-function variants in F7 are known to be pathogenic (PMID: 15735798, 18976247, 19141157). This variant is present in population databases (rs756151764, gnomAD 0.007%). This premature translational stop signal has been observed in individual(s) with FVII deficiency (PMID: 36571800). ClinVar contains an entry for this variant (Variation ID: 1322860). Algorithms developed to predict the effect of sequence changes on RNA splicing suggest that this variant may disrupt the consensus splice site. For these reasons, this variant has been classified as Pathogenic.

Revvity Omics, Revvity
Classification: Pathogenic for Congenital factor VII deficiency. Last evaluated: 2019-04-02. Review status: criteria provided, single submitter. Criteria: ACMG Guidelines, 2015. Collection method: clinical testing. Allele origin: germline.

PreventionGenetics, part of Exact Sciences
Classification: Pathogenic for F7-related condition. Last evaluated: 2024-06-11. Review status: no assertion criteria provided. Collection method: clinical testing. Allele origin: germline. Not counted in ClinVar's aggregate classification.
Comment: The F7 c.634C>T variant is predicted to result in premature protein termination (p.Arg212*). This variant is also described using legacy nomenclature as p.Arg152*, has been reported to be causative for Factor VII deficiency (Wulff and Herrmann. 2000. PubMed ID: 10862079; Sharma et al. 2022. PubMed ID: 36571800; Ravanbod et al. 2022. PubMed ID: 36760778). This variant is reported in 0.0062% of alleles in individuals of African descent in gnomAD. Nonsense variants in F7 are expected to be pathogenic. This variant is interpreted as pathogenic.

Literature cited by the submitters: PubMed 15735798 (cited by Labcorp Genetics (formerly Invitae), Labcorp); PubMed 18976247 (cited by Labcorp Genetics (formerly Invitae), Labcorp); PubMed 19141157 (cited by Labcorp Genetics (formerly Invitae), Labcorp); PubMed 36571800 (cited by Labcorp Genetics (formerly Invitae), Labcorp).

NM_019616.4(F7):c.568C>T (p.Arg190Ter)

Gene: F7 (coagulation factor VII; plus strand). Cytogenetic location: 13q34.
Variant type: single nucleotide variant.
Coding change: c.568C>T on transcript NM_019616.4 (MANE Select); coding-DNA position 568, C replaced by T.
Protein change: p.Arg190Ter; replaces arginine 190 with a stop codon.
Molecular consequence: nonsense. On other transcripts: non-coding transcript variant (1).
Genome position (GRCh38, 1-based): chr13:113,116,828, C>T. VCF-style: chr13-113116828-C-T. GRCh37 (hg19) VCF-style: chr13-113771142-C-T.
Other names: c.634C>T, p.Arg212Ter (NM_000131.5); c.382C>T, p.Arg128Ter (NM_001267554.2); short protein forms R128*, R190*, R212*.
Identifiers: ClinVar variation 1322860 (VCV001322860.6), dbSNP rs756151764, ClinGen allele CA7060012.